The following is an entry in ClinVar:

NM_014991.6(WDFY3):c.8027C>A (p.Thr2676Lys)

Gene: WDFY3 (WD repeat and FYVE domain containing 3; minus strand). Cytogenetic location: 4q21.23.
Variant type: single nucleotide variant.
Coding change: c.8027C>A on transcript NM_014991.6 (MANE Select); coding-DNA position 8027, C replaced by A.
Protein change: p.Thr2676Lys; replaces threonine 2676 with lysine.
Molecular consequence: missense variant.
Genome position (GRCh38, 1-based): chr4:84,713,174, G>T on the plus strand (C>A on the coding strand, the complement: WDFY3 is on the minus strand). VCF-style: chr4-84713174-G-T. GRCh37 (hg19) VCF-style: chr4-85634327-G-T.
Other names: short protein forms T2676K.
Identifiers: ClinVar variation 4685195 (VCV004685195.1).

ClinVar aggregate classification (germline): Uncertain significance (1 of 4 stars; one submission).

Submission:

GeneDx
Classification: Uncertain significance. Last evaluated: 2025-07-08. Review status: criteria provided, single submitter. Criteria: GeneDx Variant Classification Process June 2021. Collection method: clinical testing. Allele origin: germline. Affected: yes.
Comment: Not observed at significant frequency in large population cohorts (gnomAD); In silico analysis suggests that this missense variant does not alter protein structure/function; Has not been previously published as pathogenic or benign to our knowledge